The following is an entry in ClinVar:

NM_032447.5(FBN3):c.1201+7C>T

Gene: FBN3 (fibrillin 3; minus strand). Cytogenetic location: 19p13.2.
Variant type: single nucleotide variant.
Coding change: c.1201+7C>T on transcript NM_032447.5 (MANE Select); 7 bases into the intron after coding-DNA position 1201, C replaced by T.
Molecular consequence: intron variant.
Genome position (GRCh38, 1-based): chr19:8,138,134, G>A on the plus strand (C>T on the coding strand, the complement: FBN3 is on the minus strand). VCF-style: chr19-8138134-G-A. GRCh37 (hg19) VCF-style: chr19-8203018-G-A.
Other names: c.1201+7C>T (NM_001321431.2, NM_001321431.1).
Identifiers: ClinVar variation 1489093 (VCV001489093.10), dbSNP rs201339849, ClinGen allele CA9153439.

ClinVar aggregate classification (germline): Likely benign. Review status: criteria provided, single submitter (1 of 4 stars). 2 submissions from 2 submitters: Likely benign (1). 1 of the submissions does not count toward it. Last evaluated 2025-01-20.

Conditions:
FBN3-related disorder. Also called: FBN3-related condition.

Allele frequency attached by ClinVar (database versions not stated): gnomAD 0.00001; TOPMed 0.00001; gnomAD exomes 0.00002 and 0.00003; ExAC 0.00007.
gnomAD v4.1: 30 of 1,605,058 alleles (0.0019%); highest among the groups gnomAD compares: Non-Finnish European, 0.0025%; no homozygotes.

Submissions (2):

Labcorp Genetics (formerly Invitae), Labcorp
Classification: Likely benign. Last evaluated: 2025-01-20. Review status: criteria provided, single submitter. Criteria: Invitae Variant Classification Sherloc (09022015). Collection method: clinical testing. Allele origin: germline.

PreventionGenetics, part of Exact Sciences
Classification: Likely benign for FBN3-related condition. Last evaluated: 2019-09-17. Review status: no assertion criteria provided. Collection method: clinical testing. Allele origin: germline. Not counted in ClinVar's aggregate classification.
Comment: This variant is classified as likely benign based on ACMG/AMP sequence variant interpretation guidelines (Richards et al. 2015 PMID: 25741868, with internal and published modifications).